The following is an entry in ClinVar:

NM_000388.4(CASR):c.2674A>T (p.Ser892Cys)

Gene: CASR (calcium sensing receptor; plus strand). Cytogenetic location: 3q21.1.
Variant type: single nucleotide variant.
Coding change: c.2674A>T on transcript NM_000388.4 (MANE Select); coding-DNA position 2674, A replaced by T.
Protein change: p.Ser892Cys; replaces serine 892 with cysteine.
Molecular consequence: missense variant.
Genome position (GRCh38, 1-based): chr3:122,284,628, A>T. VCF-style: chr3-122284628-A-T. GRCh37 (hg19) VCF-style: chr3-122003475-A-T.
Other names: c.2704A>T, p.Ser902Cys (NM_001178065.2); short protein forms S892C, S902C.
Identifiers: ClinVar variation 4787220 (VCV004787220.1).

ClinVar aggregate classification (germline): Uncertain significance (1 of 4 stars; one submission).

Conditions:
Familial hypocalciuric hypercalcemia (FHH). Also called: Familial benign hypercalcemia. Identifiers: Orphanet 405, MedGen C1809471, MONDO:0018458.
Autosomal dominant hypocalcemia 1 (HYPOC1). Also called: HYPOCALCEMIA, FAMILIAL. Identifiers: MedGen C3715128, MONDO:0011013, OMIM 601198.

Submission:

Labcorp Genetics (formerly Invitae), Labcorp
Classification: Uncertain significance for Familial hypocalciuric hypercalcemia; Autosomal dominant hypocalcemia 1. Last evaluated: 2026-01-08. Review status: criteria provided, single submitter. Criteria: Invitae Variant Classification Sherloc (09022015). Collection method: clinical testing. Allele origin: germline.
Comment: This sequence change replaces serine, which is neutral and polar, with cysteine, which is neutral and slightly polar, at codon 892 of the CASR protein (p.Ser892Cys). This variant is not present in population databases (gnomAD no frequency). This variant has not been reported in the literature in individuals affected with CASR-related conditions. An algorithm developed to predict the effect of missense changes on protein structure and function (PolyPhen-2) suggests that this variant is likely to be disruptive. In summary, the available evidence is currently insufficient to determine the role of this variant in disease. Therefore, it has been classified as a Variant of Uncertain Significance.